The following is an entry in ClinVar:

NM_000211.5(ITGB2):c.1101C>A (p.Val367=)

Gene: ITGB2 (integrin subunit beta 2; minus strand). Cytogenetic location: 21q22.3.
Variant type: single nucleotide variant.
Coding change: c.1101C>A on transcript NM_000211.5 (MANE Select); coding-DNA position 1101, C replaced by A.
Protein change: p.Val367=; no amino-acid change (valine 367 retained).
Molecular consequence: synonymous variant.
Genome position (GRCh38, 1-based): chr21:44,893,527, G>T on the plus strand (C>A on the coding strand, the complement: ITGB2 is on the minus strand). VCF-style: chr21-44893527-G-T. GRCh37 (hg19) VCF-style: chr21-46313442-G-T.
Other names: c.1101C>A, p.Val367= (NM_001127491.3); c.894C>A, p.Val298= (NM_001303238.2).
Identifiers: ClinVar variation 100746 (VCV000100746.28), dbSNP rs2230529, ClinGen allele CA249756.
Genomic context (GRCh38, chr21:44,893,527, plus strand): 5'-GCTGCAGAAGGAGTCGTAGGTGACTTTCAGGGTGTCGGGGAGGGCGTTGTGATCCAGGAA[G>T]ACCCTGGAGGAGAGTTTCTGCGGGCAGAGAGCGGTTACTCTTGGGGGCGAGTGTTTCTGT-3'
Protein context (NP_000202.3, residues 357-377): KNAYNKLSSR[Val367=]FLDHNALPDT

ClinVar aggregate classification (germline): Benign. Review status: criteria provided, multiple submitters, no conflicts (2 of 4 stars). 10 submissions from 10 submitters: Benign (9). 1 of the submissions does not count toward it. Last evaluated 2026-02-04.

Conditions:
Leukocyte adhesion deficiency 1 (LAD1). Also called: LEUKOCYTE ADHESION DEFICIENCY, TYPE I; LAD 1; Lymphocyte function-associated antigen 1 immunodeficiency; LFA 1 immunodeficiency. Identifiers: Orphanet 2968, Orphanet 99842, MedGen C0398738, MONDO:0007293, OMIM 116920.

Allele frequency attached by ClinVar (database versions not stated): 1000 Genomes Project 0.19908; 1000 Genomes Project 30x 0.20581; gnomAD exomes 0.22443 and 0.24176; ExAC 0.23067; TOPMed 0.23203; gnomAD 0.23256 and 0.23426; ESP Exome Variant Server 0.24089.
gnomAD v4.1: 388,801 of 1,613,646 alleles (24%); highest among the groups gnomAD compares: Middle Eastern, 39%; 48,887 homozygotes.

Submissions (10):

Labcorp Genetics (formerly Invitae), Labcorp
Classification: Benign for Leukocyte adhesion deficiency 1. Last evaluated: 2026-02-04. Review status: criteria provided, single submitter. Criteria: Invitae Variant Classification Sherloc (09022015). Collection method: clinical testing. Allele origin: germline.

Women's Health and Genetics/Laboratory Corporation of America, LabCorp
Classification: Benign. Last evaluated: 2026-01-21. Review status: criteria provided, single submitter. Criteria: LabCorp Variant Classification Summary - May 2015. Collection method: clinical testing. Allele origin: germline.

Unidad de Genómica Garrahan, Hospital de Pediatría Garrahan
Classification: Benign. Last evaluated: 2024-01-24. Review status: criteria provided, single submitter. Criteria: ACMG Guidelines, 2015. Collection method: clinical testing. Allele origin: germline. Affected: no. Observed: 39 variant alleles.
Comment: This variant is classified as Benign based on local population frequency. This variant was detected in 41% of patients studied by a panel of primary immunodeficiencies. Number of patients: 39. Only high quality variants are reported.

Genome-Nilou Lab
Classification: Benign for Leukocyte adhesion deficiency 1. Last evaluated: 2021-08-19. Review status: criteria provided, single submitter. Criteria: ACMG Guidelines, 2015. Collection method: clinical testing. Allele origin: germline. Affected: no.

Mayo Clinic Laboratories, Mayo Clinic
Classification: Benign. Last evaluated: 2018-07-03. Review status: criteria provided, single submitter. Criteria: ACMG Guidelines, 2015. Collection method: clinical testing. Allele origin: germline. Observed: 371 variant alleles.

Illumina Laboratory Services, Illumina
Classification: Benign for Leukocyte adhesion deficiency 1. Last evaluated: 2018-01-12. Review status: criteria provided, single submitter. Criteria: ICSL Variant Classification Criteria 13 December 2019. Collection method: clinical testing. Allele origin: germline.
Comment: This variant was observed in the ICSL laboratory as part of a predisposition screen in an ostensibly healthy population. It had not been previously curated by ICSL or reported in the Human Gene Mutation Database (HGMD: prior to June 1st, 2018), and was therefore a candidate for classification through an automated scoring system. Utilizing variant allele frequency, disease prevalence and penetrance estimates, and inheritance mode, an automated score was calculated to assess if this variant is too frequent to cause the disease. Based on the score and internal cut-off values, a variant classified as benign is not then subjected to further curation. The score for this variant resulted in a classification of benign for this disease.

Laboratory for Molecular Medicine, Mass General Brigham Personalized Medicine
Classification: Benign. Last evaluated: 2016-03-28. Review status: criteria provided, single submitter. Criteria: LMM Criteria. Collection method: clinical testing. Allele origin: germline.
Comment: Variant identified in a genome or exome case(s) and assessed due to predicted null impact of the variant or pathogenic assertions in the literature or databases. Disclaimer: This variant has not undergone full assessment. The following are preliminary notes: Frequency

GeneDx
Classification: Benign. Last evaluated: 2015-03-03. Review status: criteria provided, single submitter. Criteria: GeneDx Variant Classification Process June 2021. Collection method: clinical testing. Allele origin: germline. Affected: yes.

Breakthrough Genomics
Classification: Benign. Review status: criteria provided, single submitter. Criteria: ACMG Guidelines, 2015. Collection method: not provided. Allele origin: germline. Inheritance: Autosomal recessive inheritance. Affected: yes.

Genomic Research Center, Shahid Beheshti University of Medical Sciences
No classification provided. Condition: Leukocyte adhesion deficiency type 1. Review status: no classification provided. Collection method: not provided. Allele origin: inherited. Study: Mutation spectra of the ITGB2 gene in Iranian families with leukocyte adhesion deficiency type 1. Not counted in ClinVar's aggregate classification.
ClinVar note: Converted during submission from untested to not provided.